The following is an entry in ClinVar:

ClinVar aggregate classification (germline): Uncertain significance. Review status: criteria provided, multiple submitters, no conflicts (2 of 4 stars). 2 submissions from 2 submitters: Uncertain significance (2). Last evaluated 2025-01-09.

Conditions:
Inborn genetic diseases. Identifiers: MedGen C0950123, MeSH D030342.

gnomAD v4.1: 22 of 1,612,310 alleles (0.0014%); highest among the groups gnomAD compares: Admixed American, 0.0017%; no homozygotes.

Submissions (2):

Ambry Genetics
Classification: Uncertain significance for Inborn genetic diseases. Last evaluated: 2025-01-09. Review status: criteria provided, single submitter. Criteria: Ambry Variant Classification Scheme 2023. Collection method: clinical testing. Allele origin: germline.
Comment: The p.R277Q variant (also known as c.830G>A), located in coding exon 7 of the HAX1 gene, results from a G to A substitution at nucleotide position 830. The arginine at codon 277 is replaced by glutamine, an amino acid with highly similar properties. This amino acid position is conserved. In addition, this alteration is predicted to be tolerated by in silico analysis. Based on the available evidence, the clinical significance of this variant remains unclear.

Blueprint Genetics
Classification: Uncertain significance. Last evaluated: 2021-12-07. Review status: criteria provided, single submitter. Criteria: ACMG Guidelines, 2015. Collection method: clinical testing. Allele origin: germline.

NM_006118.4(HAX1):c.830G>A (p.Arg277Gln)

Gene: HAX1 (HCLS1 associated protein X-1; plus strand). Cytogenetic location: 1q21.3.
Variant type: single nucleotide variant.
Coding change: c.830G>A on transcript NM_006118.4 (MANE Select); coding-DNA position 830, G replaced by A.
Protein change: p.Arg277Gln; replaces arginine 277 with glutamine.
Molecular consequence: missense variant.
Genome position (GRCh38, 1-based): chr1:154,275,691, G>A. VCF-style: chr1-154275691-G-A. GRCh37 (hg19) VCF-style: chr1-154248167-G-A.
Other names: c.686G>A, p.Arg229Gln (NM_001018837.2); short protein forms R229Q, R277Q.
Identifiers: ClinVar variation 3856870 (VCV003856870.2).
Genomic context (GRCh38, chr1:154,275,691, plus strand): 5'-GACCTCCAGCCCTGGATGATGCCTTTTCCATCCTGGACTTATTCCTGGGACGTTGGTTCC[G>A]GTCCCGGTAGCCTTGTTAACCCTCAGAGGCCTTCAAGTCCTTTCCACCTCTCACCCATTG-3'
Protein context (NP_006109.2, residues 267-279): ILDLFLGRWF[Arg277Gln]SR